The following is an entry in ClinVar:

NC_000002.12:g.(?_162288115)_(162288375_?)del

Gene: IFIH1 (interferon induced with helicase C domain 1; minus strand). Cytogenetic location: 2q24.2.
Variant type: Deletion.
Identifiers: ClinVar variation 541792 (VCV000541792.5).

ClinVar aggregate classification (germline): Uncertain significance (1 of 4 stars; one submission).

Conditions:
Singleton-Merten syndrome 1 (SGMRT1). Also called: Widened medullary cavities of bone, aortic calcification, abnormal dentition, and muscular weakness; Syndrome of widened medullary cavities of the metacarpals and phalanges, aortic calcification and abnormal dentition. Identifiers: Orphanet 85191, MedGen C4225427, MONDO:0024535, OMIM 182250.
Aicardi-Goutieres syndrome 7 (AGS7). Identifiers: Orphanet 51, MedGen C3888244, MONDO:0014367, OMIM 615846.

Submission:

Labcorp Genetics (formerly Invitae), Labcorp
Classification: Uncertain significance for Aicardi-Goutieres syndrome 7; Singleton-Merten syndrome 1. Last evaluated: 2023-07-31. Review status: criteria provided, single submitter. Criteria: Invitae Variant Classification Sherloc (09022015). Collection method: clinical testing. Allele origin: germline.
Comment: In summary, the available evidence is currently insufficient to determine the role of this variant in disease. Therefore, it has been classified as a Variant of Uncertain Significance. A similar copy number variant has been observed in at least one individual who was not affected with IFIH1-related conditions (Invitae). This variant has not been reported in the literature in individuals affected with IFIH1-related conditions. This variant is a gross deletion of the genomic region encompassing exon(s) 5 of the IFIH1 gene. This deletion is out-of-frame, and is expected to create a premature translational stop signal and result in an absent or disrupted protein product. However, the current clinical and genetic evidence is not sufficient to establish whether loss-of-function variants in IFIH1 cause disease.